The following is an entry in ClinVar:

ClinVar aggregate classification (germline): Uncertain significance (1 of 4 stars; one submission).

Allele frequency attached by ClinVar (database versions not stated): gnomAD 0.00001; ExAC 0.00002; ESP Exome Variant Server 0.00008.
gnomAD v4.1: 19 of 1,614,070 alleles (0.0012%); highest among the groups gnomAD compares: African/African-American, 0.008%; no homozygotes.

Submission:

Labcorp Genetics (formerly Invitae), Labcorp
Classification: Uncertain significance. Last evaluated: 2024-11-11. Review status: criteria provided, single submitter. Criteria: Invitae Variant Classification Sherloc (09022015). Collection method: clinical testing. Allele origin: germline.
Comment: This sequence change replaces glycine, which is neutral and non-polar, with serine, which is neutral and polar, at codon 348 of the SIAE protein (p.Gly348Ser). This variant is present in population databases (rs377298089, gnomAD 0.004%). This variant has not been reported in the literature in individuals affected with SIAE-related conditions. ClinVar contains an entry for this variant (Variation ID: 1925754). An algorithm developed to predict the effect of missense changes on protein structure and function (PolyPhen-2) suggests that this variant is likely to be disruptive. In summary, the available evidence is currently insufficient to determine the role of this variant in disease. Therefore, it has been classified as a Variant of Uncertain Significance.

NM_170601.5(SIAE):c.1042G>A (p.Gly348Ser)

Gene: SIAE (sialic acid acetylesterase; minus strand). Cytogenetic location: 11q24.2.
Variant type: single nucleotide variant.
Coding change: c.1042G>A on transcript NM_170601.5 (MANE Select); coding-DNA position 1042, G replaced by A.
Protein change: p.Gly348Ser; replaces glycine 348 with serine.
Molecular consequence: missense variant.
Genome position (GRCh38, 1-based): chr11:124,639,792, C>T on the plus strand (G>A on the coding strand, the complement: SIAE is on the minus strand). VCF-style: chr11-124639792-C-T. GRCh37 (hg19) VCF-style: chr11-124509688-C-T.
Other names: c.937G>A, p.Gly313Ser (NM_001199922.2); short protein forms G313S, G348S.
Identifiers: ClinVar variation 1925754 (VCV001925754.5), dbSNP rs377298089, ClinGen allele CA6341317.